The following is an entry in ClinVar:

ClinVar aggregate classification (germline): Uncertain significance (1 of 4 stars; one submission).

Conditions:
Hereditary cancer-predisposing syndrome. Also called: Neoplastic Syndromes, Hereditary; Tumor predisposition; Hereditary Cancer Syndrome; Hereditary neoplastic syndrome. Identifiers: Orphanet 140162, MedGen C0027672, MeSH D009386, MONDO:0015356.

Submission:

Labcorp Genetics (formerly Invitae), Labcorp
Classification: Uncertain significance for Hereditary cancer-predisposing syndrome. Last evaluated: 2022-11-23. Review status: criteria provided, single submitter. Criteria: Invitae Variant Classification Sherloc (09022015). Collection method: clinical testing. Allele origin: germline.
Comment: In summary, the available evidence is currently insufficient to determine the role of this variant in disease. Therefore, it has been classified as a Variant of Uncertain Significance. Advanced modeling of protein sequence and biophysical properties (such as structural, functional, and spatial information, amino acid conservation, physicochemical variation, residue mobility, and thermodynamic stability) performed at Invitae indicates that this missense variant is not expected to disrupt RAD50 protein function. This variant has not been reported in the literature in individuals affected with RAD50-related conditions. This variant is not present in population databases (gnomAD no frequency). This sequence change replaces glutamine, which is neutral and polar, with histidine, which is basic and polar, at codon 986 of the RAD50 protein (p.Gln986His).

NM_005732.4(RAD50):c.2958A>T (p.Gln986His)

Gene: RAD50 (RAD50 double strand break repair protein; plus strand). Cytogenetic location: 5q31.1.
Variant type: single nucleotide variant.
Coding change: c.2958A>T on transcript NM_005732.4 (MANE Select); coding-DNA position 2958, A replaced by T.
Protein change: p.Gln986His; replaces glutamine 986 with histidine.
Molecular consequence: missense variant.
Genome position (GRCh38, 1-based): chr5:132,609,318, A>T. VCF-style: chr5-132609318-A-T. GRCh37 (hg19) VCF-style: chr5-131945010-A-T.
Other names: short protein forms Q986H.
Identifiers: ClinVar variation 2815710 (VCV002815710.3), dbSNP rs2479371600, ClinGen allele CA360960445.